The following is an entry in ClinVar:

ClinVar aggregate classification (germline): Conflicting classifications of pathogenicity. Review status: criteria provided, conflicting classifications (1 of 4 stars). 9 submissions from 9 submitters: Uncertain significance (8); Likely benign (1). Last evaluated 2026-06-01.

Conditions:
BAP1-related disorder. Also called: BAP1-related condition.
Kury-Isidor syndrome (KURIS). Identifiers: MedGen C5676925, MONDO:0859230, OMIM 619762.
Melanoma, uveal, susceptibility to, 2 (UVM2). Also called: Melanoma, uveal 2. Identifiers: Orphanet 39044, MedGen C1847723, MONDO:0011696, OMIM 606661.
BAP1-related tumor predisposition syndrome (TPDS1). Also called: Tumor susceptibility linked to germline BAP1 mutations; TUMOR PREDISPOSITION SYNDROME 1; BAP1 tumor predisposition syndrome; COMMON Syndrome. Identifiers: Orphanet 289539, MedGen C3280492, MONDO:0013692, OMIM 614327.
Hereditary cancer-predisposing syndrome. Also called: Hereditary neoplastic syndrome; Tumor predisposition; Neoplastic Syndromes, Hereditary; Hereditary Cancer Syndrome. Identifiers: Orphanet 140162, MedGen C0027672, MeSH D009386, MONDO:0015356.

Allele frequency attached by ClinVar (database versions not stated): gnomAD exomes 0.00001 and 0.00002; TOPMed 0.00002.
gnomAD v4.1: 5 of 1,614,104 alleles (0.00031%); highest among the groups gnomAD compares: Admixed American, 0.0083%; no homozygotes.

Submissions (9):

CeGaT Center for Human Genetics Tuebingen
Classification: Uncertain significance. Last evaluated: 2026-06-01. Review status: criteria provided, single submitter. Criteria: CeGaT Center For Human Genetics Tuebingen Variant Classification Criteria Version 2. Collection method: clinical testing. Allele origin: germline. Affected: yes. Observed: 1 variant allele.
Comment: BAP1: PM2, BP4

PreventionGenetics, part of Exact Sciences
Classification: Uncertain significance for BAP1-related condition. Last evaluated: 2026-02-26. Review status: criteria provided, single submitter. Criteria: ACMG Guidelines, 2015. Collection method: clinical testing. Allele origin: germline.
Comment: The BAP1 c.1843A>G variant is predicted to result in the amino acid substitution p.Met615Val. To our knowledge, this variant has not been reported in the literature. This variant is reported in 0.012% of alleles in individuals of Latino descent in gnomAD. This variant has conflicting interpretations in ClinVar ranging from uncertain to likely benign (Variation ID: 480826). At this time, the clinical significance of this variant is uncertain due to the absence of conclusive functional and genetic evidence.

Labcorp Genetics (formerly Invitae), Labcorp
Classification: Uncertain significance for BAP1-related tumor predisposition syndrome. Last evaluated: 2026-01-02. Review status: criteria provided, single submitter. Criteria: Invitae Variant Classification Sherloc (09022015). Collection method: clinical testing. Allele origin: germline.
Comment: This sequence change replaces methionine, which is neutral and non-polar, with valine, which is neutral and non-polar, at codon 615 of the BAP1 protein (p.Met615Val). This variant is present in population databases (no rsID available, gnomAD 0.01%). This variant has not been reported in the literature in individuals affected with BAP1-related conditions. ClinVar contains an entry for this variant (Variation ID: 480826). Invitae Evidence Modeling of protein sequence and biophysical properties (such as structural, functional, and spatial information, amino acid conservation, physicochemical variation, residue mobility, and thermodynamic stability) indicates that this missense variant is not expected to disrupt BAP1 protein function with a negative predictive value of 80%. In summary, the available evidence is currently insufficient to determine the role of this variant in disease. Therefore, it has been classified as a Variant of Uncertain Significance.

Quest Diagnostics Nichols Institute San Juan Capistrano
Classification: Uncertain significance. Last evaluated: 2025-02-20. Review status: criteria provided, single submitter. Criteria: Quest Diagnostics criteria. Collection method: clinical testing. Allele origin: unknown.
Comment: The BAP1 c.1843A>G (p.Met615Val) variant has not been reported in individuals with BAP1-related conditions in the published literature. The frequency of this variant in the general population (Genome Aggregation Database) is uninformative in the assessment of its pathogenicity. Analysis of this variant using bioinformatics tools for the prediction of the effect of amino acid changes on protein structure and function yielded predictions that this variant is benign. Based on the available information, we are unable to determine the clinical significance of this variant.

Fulgent Genetics
Classification: Uncertain significance for Melanoma, uveal, susceptibility to, 2; BAP1-related tumor predisposition syndrome; Kury-Isidor syndrome. Last evaluated: 2024-03-17. Review status: criteria provided, single submitter. Criteria: ACMG Guidelines, 2015. Collection method: clinical testing. Allele origin: germline.

Color Diagnostics, LLC DBA Color Health
Classification: Uncertain significance for Hereditary cancer-predisposing syndrome. Last evaluated: 2024-03-06. Review status: criteria provided, single submitter. Criteria: ACMG Guidelines, 2015. Collection method: clinical testing. Allele origin: germline.
Comment: This missense variant replaces methionine with valine at codon 615 of the BAP1 protein. Computational prediction suggests that this variant may not impact protein structure and function (internally defined REVEL score threshold <= 0.5, PMID: 27666373). Splice site prediction tools suggest that this variant may not impact RNA splicing. To our knowledge, functional studies have not been performed for this variant. This variant has not been reported in individuals affected with hereditary cancer in the literature. This variant has been identified in 4/251436 chromosomes in the general population by the Genome Aggregation Database (gnomAD). The available evidence is insufficient to determine the role of this variant in disease conclusively. Therefore, this variant is classified as a Variant of Uncertain Significance.

GeneDx
Classification: Uncertain significance. Last evaluated: 2023-12-14. Review status: criteria provided, single submitter. Criteria: GeneDx Variant Classification Process June 2021. Collection method: clinical testing. Allele origin: germline. Affected: yes.
Comment: Not observed at significant frequency in large population cohorts (gnomAD); In silico analysis supports that this missense variant does not alter protein structure/function; Has not been previously published as pathogenic or benign to our knowledge

Baylor Genetics
Classification: Uncertain significance for BAP1-related tumor predisposition syndrome. Last evaluated: 2023-10-16. Review status: criteria provided, single submitter. Criteria: ACMG Guidelines, 2015. Collection method: clinical testing. Allele origin: unknown.

Ambry Genetics
Classification: Likely benign for Hereditary cancer-predisposing syndrome. Last evaluated: 2022-03-21. Review status: criteria provided, single submitter. Criteria: Ambry Variant Classification Scheme 2023. Collection method: clinical testing. Allele origin: germline.

NM_004656.4(BAP1):c.1843A>G (p.Met615Val)

Gene: BAP1 (BRCA1 associated deubiquitinase 1; minus strand). Cytogenetic location: 3p21.1.
Variant type: single nucleotide variant.
Coding change: c.1843A>G on transcript NM_004656.4 (MANE Select); coding-DNA position 1843, A replaced by G.
Protein change: p.Met615Val; replaces methionine 615 with valine.
Molecular consequence: missense variant.
Genome position (GRCh38, 1-based): chr3:52,403,185, T>C on the plus strand (A>G on the coding strand, the complement: BAP1 is on the minus strand). VCF-style: chr3-52403185-T-C. GRCh37 (hg19) VCF-style: chr3-52437201-T-C.
Other names: c.1843A>G (LRG_529t1); short protein forms M615V.
Identifiers: ClinVar variation 480826 (VCV000480826.26), dbSNP rs1183229867, ClinGen allele CA353098219.
Genomic context (GRCh38, chr3:52,403,185, plus strand): 5'-AACGGAGGCTCACCTTGGGTGAGTATTTCTCCCCACTCAAGGGCTCGCCAGGCCTCACCA[T>C]CCCCGTCTTCTCTCTGCTGTCCGTGGCTTCCACGACCTCCTTCTCCACTGGGCTGCTGGA-3'
Protein context (NP_004647.1, residues 605-625): EATDSREKTG[Met615Val]VRPGEPLSGE